The following is an entry in ClinVar:

ClinVar aggregate classification (germline): Uncertain significance. Review status: criteria provided, multiple submitters, no conflicts (2 of 4 stars). 2 submissions from 2 submitters: Uncertain significance (2). Last evaluated 2024-07-22.

Allele frequency attached by ClinVar (database versions not stated): ExAC 0.00001; gnomAD exomes 0.00001.
gnomAD v4.1: 15 of 1,604,532 alleles (0.00093%); highest among the groups gnomAD compares: Non-Finnish European, 0.0012%; no homozygotes.

Submissions (2):

Mayo Clinic Laboratories, Mayo Clinic
Classification: Uncertain significance. Last evaluated: 2024-07-22. Review status: criteria provided, single submitter. Criteria: ACMG Guidelines, 2015. Collection method: clinical testing. Allele origin: germline. Observed: 1 variant allele.

Laboratory for Molecular Medicine, Mass General Brigham Personalized Medicine
Classification: Uncertain significance. Last evaluated: 2016-08-11. Review status: criteria provided, single submitter. Criteria: LMM Criteria. Collection method: clinical testing. Allele origin: germline. Observed: 1 variant allele.
Comment: The p.Ser14988Asn variant in TTN has not been previously reported in individuals with cardiomyopathy, but has been identified in 1/58268 European chromosomes by the Exome Aggregation Consortium (ExAC; dbSNP r s750715335). Computational prediction tools and conservation analysis suggest th at the p.Ser14988Asn variant may impact the protein, though this information is not predictive enough to determine pathogenicity. In summary, the clinical signi ficance of the p.Ser14988Asn variant is unknown.

Literature cited by the submitters: PubMed 33500567 (cited by Mayo Clinic Laboratories, Mayo Clinic).

NM_001267550.2(TTN):c.52667G>A (p.Ser17556Asn)

Genes: TTN (titin; minus strand), TTN-AS1 (TTN antisense RNA 1; plus strand), LOC126806425 (BRD4-independent group 4 enhancer GRCh37_chr2:179471933-179473132; plus strand). Cytogenetic location: 2q31.2.
Variant type: single nucleotide variant.
Coding change: c.52667G>A on transcript NM_001267550.2 (MANE Select); coding-DNA position 52667, G replaced by A.
Protein change: p.Ser17556Asn; replaces serine 17556 with asparagine.
Molecular consequence: missense variant. On other transcripts: non-coding transcript variant (1).
Genome position (GRCh38, 1-based): chr2:178,608,216, C>T on the plus strand (G>A on the coding strand, the complement: TTN is on the minus strand). VCF-style: chr2-178608216-C-T. GRCh37 (hg19) VCF-style: chr2-179472943-C-T.
Other names: c.44963G>A, p.Ser14988Asn (NM_133378.4); c.47744G>A, p.Ser15915Asn (NM_001256850.1); c.25472G>A, p.Ser8491Asn (NM_003319.4); c.25847G>A, p.Ser8616Asn (NM_133432.3); c.26048G>A, p.Ser8683Asn (NM_133437.4); short protein forms S14988N, S17556N, S15915N, S8683N, S8491N, S8616N.
Identifiers: ClinVar variation 505286 (VCV000505286.6), dbSNP rs750715335, ClinGen allele CA1993954.